The following is an entry in ClinVar:

ClinVar aggregate classification (germline): Uncertain significance. Review status: criteria provided, single submitter (1 of 4 stars). 2 submissions from 2 submitters: Uncertain significance (1). 1 of the submissions does not count toward it. Last evaluated 2014-09-08.

Conditions:
TTN-related disorder. Also called: TTN-related disorders; TTN-related condition; TTN-related disease.

Allele frequency attached by ClinVar (database versions not stated): gnomAD exomes below 0.00001.
gnomAD v4.1: 1 of 1,614,120 alleles (0.000062%); highest among the groups gnomAD compares: Non-Finnish European, 0.000085%; no homozygotes.

Submissions (2):

Laboratory for Molecular Medicine, Mass General Brigham Personalized Medicine
Classification: Uncertain significance. Last evaluated: 2014-09-08. Review status: criteria provided, single submitter. Criteria: LMM Criteria. Collection method: clinical testing. Allele origin: germline. Observed: 1 variant allele.
Comment: The Arg715Gly variant in TTN has not been previously reported in individuals wit h cardiomyopathy and was absent from large population studies. Computational pre diction tools and conservation analysis suggest that this variant may impact the protein, though this information is not predictive enough to determine pathogen icity. In summary, the clinical significance of the Arg715Gly variant is uncerta in.

PreventionGenetics, part of Exact Sciences
Classification: Uncertain significance for TTN-related condition. Last evaluated: 2024-08-29. Review status: no assertion criteria provided. Collection method: clinical testing. Allele origin: germline. Not counted in ClinVar's aggregate classification.
Comment: The TTN c.2143A>G variant is predicted to result in the amino acid substitution p.Arg715Gly. To our knowledge, this variant has not been reported in the literature. This variant is reported in 0.00088% of alleles in individuals of European (non-Finnish) descent in gnomAD. At this time, the clinical significance of this variant is uncertain due to the absence of conclusive functional and genetic evidence.

NM_001267550.2(TTN):c.2143A>G (p.Arg715Gly)

Gene: TTN (titin; minus strand). Cytogenetic location: 2q31.2.
Variant type: single nucleotide variant.
Coding change: c.2143A>G on transcript NM_001267550.2 (MANE Select); coding-DNA position 2143, A replaced by G.
Protein change: p.Arg715Gly; replaces arginine 715 with glycine.
Molecular consequence: missense variant.
Genome position (GRCh38, 1-based): chr2:178,786,075, T>C on the plus strand (A>G on the coding strand, the complement: TTN is on the minus strand). VCF-style: chr2-178786075-T-C. GRCh37 (hg19) VCF-style: chr2-179650802-T-C.
Other names: c.2143A>G, p.Arg715Gly (NM_001256850.1, NM_133379.5, NM_133378.4); c.2005A>G, p.Arg669Gly (NM_003319.4, NM_133432.3, NM_133437.4); short protein forms R715G, R669G.
Identifiers: ClinVar variation 179978 (VCV000179978.6), dbSNP rs727505258, ClinGen allele CA185560.